The following is an entry in ClinVar:

NM_000313.4(PROS1):c.1337T>C (p.Leu446Pro)

Gene: PROS1 (protein S; minus strand). Cytogenetic location: 3q11.1.
Variant type: single nucleotide variant.
Coding change: c.1337T>C on transcript NM_000313.4 (MANE Select); coding-DNA position 1337, T replaced by C.
Protein change: p.Leu446Pro; replaces leucine 446 with proline.
Molecular consequence: missense variant.
Genome position (GRCh38, 1-based): chr3:93,884,883, A>G on the plus strand (T>C on the coding strand, the complement: PROS1 is on the minus strand). VCF-style: chr3-93884883-A-G. GRCh37 (hg19) VCF-style: chr3-93603727-A-G.
Other names: c.1433T>C, p.Leu478Pro (NM_001314077.2); short protein forms L446P, L478P.
Identifiers: ClinVar variation 1684344 (VCV001684344.2), dbSNP rs2107137626, ClinGen allele CA353668979.

ClinVar aggregate classification (germline): Likely pathogenic. Review status: criteria provided, single submitter (1 of 4 stars). 2 submissions from 1 submitter: Likely pathogenic (1). 1 of the submissions does not count toward it.

Conditions:
Protein S deficiency disease. Also called: Protein S deficiency. Identifiers: MedGen C0242666, MeSH D018455, MONDO:0002304.
Thrombophilia due to protein S deficiency, autosomal dominant (THPH5). Identifiers: Orphanet 26349, Orphanet 743, MedGen C3278211, MONDO:0012868, OMIM 612336. Disease mechanism: loss of function.

Submissions (2):

ISTH-SSC Genomics in Thrombosis and Hemostasis, KU Leuven, Center for Molecular and Vascular Biology
Classification: Likely pathogenic for Thrombophilia due to protein S deficiency, autosomal dominant. Review status: criteria provided, single submitter. Criteria: ACMG Guidelines, 2015. Collection method: clinical testing. Allele origin: germline. Affected: yes. Observed: 1 heterozygote.
Comment: Submitted to the GoldVariant database by Kathleen Freson, Center for Molecular and Vascular Biology

ISTH-SSC Genomics in Thrombosis and Hemostasis, KU Leuven, Center for Molecular and Vascular Biology
Classification: Likely pathogenic for Protein S deficiency disease. Review status: no assertion criteria provided. Collection method: research. Allele origin: unknown. Affected: yes. Not counted in ClinVar's aggregate classification.
Comment: Submitted to GoldVariant by Dr Karyn Mégy from NIHR Bioresource - Cambridge University, UK